The following is an entry in ClinVar:

NM_015340.4(LARS2):c.1938C>T (p.Asn646=)

Gene: LARS2 (leucyl-tRNA synthetase 2, mitochondrial; plus strand). Cytogenetic location: 3p21.31.
Variant type: single nucleotide variant.
Coding change: c.1938C>T on transcript NM_015340.4 (MANE Select); coding-DNA position 1938, C replaced by T.
Protein change: p.Asn646=; no amino-acid change (asparagine 646 retained).
Molecular consequence: synonymous variant.
Genome position (GRCh38, 1-based): chr3:45,516,170, C>T. VCF-style: chr3-45516170-C-T. GRCh37 (hg19) VCF-style: chr3-45557662-C-T.
Other names: c.1938C>T, p.Asn646= (NM_001368263.1).
Identifiers: ClinVar variation 504763 (VCV000504763.18), dbSNP rs138012553, ClinGen allele CA2349728.
Genomic context (GRCh38, chr3:45,516,170, plus strand): 5'-TGCAAAAACGAAAGAGAAGTTAGAGGTGACGTGGGAGAAGATGAGTAAGTCCAAACACAA[C>T]GGGGTGGACCCAGAGGAAGTTGTGGAGCAGTATGGGATCGACACGATTCGGCTCTACATC-3'
Protein context (NP_056155.1, residues 636-656): TWEKMSKSKH[Asn646=]GVDPEEVVEQ

ClinVar aggregate classification (germline): Likely benign. Review status: criteria provided, multiple submitters, no conflicts (2 of 4 stars). 7 submissions from 7 submitters: Likely benign (6). 1 of the submissions does not count toward it. Last evaluated 2025-11-03.

Conditions:
LARS2-related disorder. Also called: LARS2-related condition.

Allele frequency attached by ClinVar (database versions not stated): ESP Exome Variant Server 0.00015; TOPMed 0.00026.
gnomAD v4.1: 222 of 1,614,096 alleles (0.014%); highest among the groups gnomAD compares: Middle Eastern, 0.12%; no homozygotes.

Submissions (7):

Women's Health and Genetics/Laboratory Corporation of America, LabCorp
Classification: Likely benign. Last evaluated: 2025-11-03. Review status: criteria provided, single submitter. Criteria: LabCorp Variant Classification Summary - May 2015. Collection method: clinical testing. Allele origin: germline.

Labcorp Genetics (formerly Invitae), Labcorp
Classification: Likely benign. Last evaluated: 2025-10-13. Review status: criteria provided, single submitter. Criteria: Invitae Variant Classification Sherloc (09022015). Collection method: clinical testing. Allele origin: germline.

Blueprint Genetics
Classification: Likely benign. Last evaluated: 2024-10-02. Review status: criteria provided, single submitter. Criteria: ACMG Guidelines, 2015. Collection method: clinical testing. Allele origin: germline.

GeneDx
Classification: Likely benign. Last evaluated: 2020-09-04. Review status: criteria provided, single submitter. Criteria: GeneDx Variant Classification Process June 2021. Collection method: clinical testing. Allele origin: germline. Affected: yes.

Athena Diagnostics
Classification: Likely benign. Last evaluated: 2018-09-12. Review status: criteria provided, single submitter. Criteria: Athena Diagnostics Criteria. Collection method: clinical testing. Allele origin: germline.

Laboratory for Molecular Medicine, Mass General Brigham Personalized Medicine
Classification: Likely benign. Last evaluated: 2016-06-28. Review status: criteria provided, single submitter. Criteria: LMM Criteria. Collection method: clinical testing. Allele origin: germline. Observed: 1 variant allele.
Comment: p.Asn646Asn in exon 17 of LARS2: This variant is not expected to have clinical s ignificance because it does not alter an amino acid residue and is not located w ithin the splice consensus sequence. It has been identified in 7/10406 African c hromosomes and 8/66736 European chromosomes by the Exome Aggregation Consortium (ExAC; dbSNP rs138012553).

PreventionGenetics, part of Exact Sciences
Classification: Likely benign for LARS2-related condition. Last evaluated: 2022-03-24. Review status: no assertion criteria provided. Collection method: clinical testing. Allele origin: germline. Not counted in ClinVar's aggregate classification.
Comment: This variant is classified as likely benign based on ACMG/AMP sequence variant interpretation guidelines (Richards et al. 2015 PMID: 25741868, with internal and published modifications).